The following is an entry in ClinVar:

NM_052854.4(CREB3L1):c.595+2T>A

Gene: CREB3L1 (cAMP responsive element binding protein 3 like 1; plus strand). Cytogenetic location: 11p11.2.
Variant type: single nucleotide variant.
Coding change: c.595+2T>A on transcript NM_052854.4 (MANE Select); the canonical splice donor site of the intron after coding-DNA position 595, T replaced by A.
Molecular consequence: splice donor variant. On other transcripts: intron variant (1).
Genome position (GRCh38, 1-based): chr11:46,310,069, T>A. VCF-style: chr11-46310069-T-A. GRCh37 (hg19) VCF-style: chr11-46331620-T-A.
Other names: c.595+2T>A (NM_001425266.1); c.589+2T>A (NM_001425267.1); c.332-963T>A (NM_001425269.1); c.457+2T>A (NM_001425268.1).
Identifiers: ClinVar variation 3895517 (VCV003895517.1).

ClinVar aggregate classification (germline): Likely pathogenic (1 of 4 stars; one submission).

Conditions:
Osteogenesis imperfecta type 16. Also called: Osteogenesis imperfecta, type xvi; OI, TYPE XVI. Identifiers: Orphanet 666, MedGen C4015610, MONDO:0014544, OMIM 616229.

Submission:

Neuberg Centre For Genomic Medicine, NCGM
Classification: Likely pathogenic for Osteogenesis imperfecta type 16. Last evaluated: 2024-02-01. Review status: criteria provided, single submitter. Criteria: ACMG Guidelines, 2015. Collection method: clinical testing. Allele origin: germline. Inheritance: Autosomal recessive inheritance. Affected: yes.
Comment: The splice donor c.595+2T>A variant in CREB3L1 gene has not been reported previously as a pathogenic variant nor as a benign variant, to our knowledge. This variant change affects the donor splice site in intron 4 of the CREB3L1 gene. Loss of function variants have been previously reported to be disease causing (Lindahl et al., 2018). For these reasons, this variant has been classified as Likely Pathogenic.